The following is an entry in ClinVar:

ClinVar aggregate classification (germline): Uncertain significance. Review status: criteria provided, multiple submitters, no conflicts (2 of 4 stars). 2 submissions from 2 submitters: Uncertain significance (2). Last evaluated 2025-03-17.

Conditions:
Inborn genetic diseases. Identifiers: MedGen C0950123, MeSH D030342.

Submissions (2):

Ambry Genetics
Classification: Uncertain significance for Inborn genetic diseases. Last evaluated: 2025-03-17. Review status: criteria provided, single submitter. Criteria: Ambry Variant Classification Scheme 2023. Collection method: clinical testing. Allele origin: germline.
Comment: The p.E621G variant (also known as c.1862A>G), located in coding exon 18 of the ANKRD26 gene, results from an A to G substitution at nucleotide position 1862. The glutamic acid at codon 621 is replaced by glycine, an amino acid with similar properties. This amino acid position is conserved. In addition, this alteration is predicted to be tolerated by in silico analysis. Based on the available evidence, the clinical significance of this variant remains unclear.

Labcorp Genetics (formerly Invitae), Labcorp
Classification: Uncertain significance. Last evaluated: 2023-01-28. Review status: criteria provided, single submitter. Criteria: Invitae Variant Classification Sherloc (09022015). Collection method: clinical testing. Allele origin: germline.
Comment: This sequence change replaces glutamic acid, which is acidic and polar, with glycine, which is neutral and non-polar, at codon 621 of the ANKRD26 protein (p.Glu621Gly). This variant is not present in population databases (gnomAD no frequency). This variant has not been reported in the literature in individuals affected with ANKRD26-related conditions. Algorithms developed to predict the effect of missense changes on protein structure and function output the following: SIFT: "Tolerated"; PolyPhen-2: "Benign"; Align-GVGD: "Class C0". The glycine amino acid residue is found in multiple mammalian species, which suggests that this missense change does not adversely affect protein function. In summary, the available evidence is currently insufficient to determine the role of this variant in disease. Therefore, it has been classified as a Variant of Uncertain Significance.

NM_014915.3(ANKRD26):c.1862A>G (p.Glu621Gly)

Gene: ANKRD26 (ankyrin repeat domain 26; minus strand). Cytogenetic location: 10p12.1.
Variant type: single nucleotide variant.
Coding change: c.1862A>G on transcript NM_014915.3 (MANE Select); coding-DNA position 1862, A replaced by G.
Protein change: p.Glu621Gly; replaces glutamic acid 621 with glycine.
Molecular consequence: missense variant.
Genome position (GRCh38, 1-based): chr10:27,046,476, T>C on the plus strand (A>G on the coding strand, the complement: ANKRD26 is on the minus strand). VCF-style: chr10-27046476-T-C. GRCh37 (hg19) VCF-style: chr10-27335405-T-C.
Other names: c.1859A>G, p.Glu620Gly (NM_001256053.2); short protein forms E620G, E621G.
Identifiers: ClinVar variation 2818156 (VCV002818156.4), dbSNP rs2538869315, ClinGen allele CA376353282.